The following is an entry in ClinVar:

ClinVar aggregate classification (germline): Uncertain significance. Review status: criteria provided, multiple submitters, no conflicts (2 of 4 stars). 3 submissions from 3 submitters: Uncertain significance (3). Last evaluated 2026-08-25.

Conditions:
Myasthenic syndrome, congenital, 22 (CMS22). Also called: PREPL DEFICIENCY. Identifiers: MedGen C4479088, MONDO:0044299, OMIM 616224.
PREPL-related disorder. Also called: PREPL-related condition.
Inborn genetic diseases. Identifiers: MedGen C0950123, MeSH D030342.

Allele frequency attached by ClinVar (database versions not stated): gnomAD 0.00001; TOPMed 0.00002.
gnomAD v4.1: 15 of 1,613,790 alleles (0.00093%); highest among the groups gnomAD compares: Admixed American, 0.005%; no homozygotes.

Submissions (3):

PreventionGenetics, part of Exact Sciences
Classification: Uncertain significance for PREPL-related condition. Last evaluated: 2026-08-25. Review status: criteria provided, single submitter. Criteria: ACMG Guidelines, 2015. Collection method: clinical testing. Allele origin: germline.
Comment: The PREPL c.580G>A variant is predicted to result in the amino acid substitution p.Val194Ile. To our knowledge, this variant has not been reported in the literature. This variant is reported in 0.0087% of alleles in individuals of Latino descent in gnomAD. At this time, the clinical significance of this variant is uncertain due to the absence of conclusive functional and genetic evidence.

Ambry Genetics
Classification: Uncertain significance for Inborn genetic diseases. Last evaluated: 2024-02-17. Review status: criteria provided, single submitter. Criteria: Ambry Variant Classification Scheme 2023. Collection method: clinical testing. Allele origin: germline.

Labcorp Genetics (formerly Invitae), Labcorp
Classification: Uncertain significance for Myasthenic syndrome, congenital, 22. Last evaluated: 2022-08-16. Review status: criteria provided, single submitter. Criteria: Invitae Variant Classification Sherloc (09022015). Collection method: clinical testing. Allele origin: germline.
Comment: This sequence change replaces valine, which is neutral and non-polar, with isoleucine, which is neutral and non-polar, at codon 194 of the PREPL protein (p.Val194Ile). This variant is present in population databases (rs763621305, gnomAD 0.009%). This variant has not been reported in the literature in individuals affected with PREPL-related conditions. ClinVar contains an entry for this variant (Variation ID: 1045897). Algorithms developed to predict the effect of missense changes on protein structure and function (SIFT, PolyPhen-2, Align-GVGD) all suggest that this variant is likely to be tolerated. In summary, the available evidence is currently insufficient to determine the role of this variant in disease. Therefore, it has been classified as a Variant of Uncertain Significance.

NM_001171613.2(PREPL):c.313G>A (p.Val105Ile)

Gene: PREPL (prolyl endopeptidase like; minus strand). Cytogenetic location: 2p21.
Variant type: single nucleotide variant.
Coding change: c.313G>A on transcript NM_001171613.2 (MANE Select); coding-DNA position 313, G replaced by A.
Protein change: p.Val105Ile; replaces valine 105 with isoleucine.
Molecular consequence: missense variant.
Genome position (GRCh38, 1-based): chr2:44,343,781, C>T on the plus strand (G>A on the coding strand, the complement: PREPL is on the minus strand). VCF-style: chr2-44343781-C-T. GRCh37 (hg19) VCF-style: chr2-44570920-C-T.
Other names: c.580G>A, p.Val194Ile (NM_001042385.2, NM_001042386.2, NM_001171603.1 and 4 more transcripts); c.313G>A, p.Val105Ile (NM_001171617.1, NM_001374277.1); short protein forms V194I, V105I.
Identifiers: ClinVar variation 1045897 (VCV001045897.7), dbSNP rs763621305, ClinGen allele CA1641543.